The following is an entry in ClinVar:

ClinVar aggregate classification (germline): Pathogenic (1 of 4 stars; one submission).

Submission:

Labcorp Genetics (formerly Invitae), Labcorp
Classification: Pathogenic. Last evaluated: 2023-06-17. Review status: criteria provided, single submitter. Criteria: Invitae Variant Classification Sherloc (09022015). Collection method: clinical testing. Allele origin: germline.
Comment: For these reasons, this variant has been classified as Pathogenic. This variant disrupts a region of the GDF5 protein in which other variant(s) (p.Tyr487*) have been determined to be pathogenic (PMID: 18283415; Invitae). This suggests that this is a clinically significant region of the protein, and that variants that disrupt it are likely to be disease-causing. This variant has not been reported in the literature in individuals affected with GDF5-related conditions. This variant is not present in population databases (gnomAD no frequency). This sequence change creates a premature translational stop signal (p.Glu459*) in the GDF5 gene. While this is not anticipated to result in nonsense mediated decay, it is expected to disrupt the last 43 amino acid(s) of the GDF5 protein.

Literature cited by the submitters: PubMed 18283415.

NM_000557.5(GDF5):c.1375G>T (p.Glu459Ter)

Genes: GDF5 (growth differentiation factor 5; minus strand), GDF5-AS1 (GDF5 antisense RNA 1; plus strand). Cytogenetic location: 20q11.22.
Variant type: single nucleotide variant.
Coding change: c.1375G>T on transcript NM_000557.5 (MANE Select); coding-DNA position 1375, G replaced by T.
Protein change: p.Glu459Ter; replaces glutamic acid 459 with a stop codon.
Molecular consequence: nonsense. On other transcripts: non-coding transcript variant (1).
Genome position (GRCh38, 1-based): chr20:35,434,040, C>A on the plus strand (G>T on the coding strand, the complement: GDF5 is on the minus strand). VCF-style: chr20-35434040-C-A. GRCh37 (hg19) VCF-style: chr20-34021838-C-A.
Other names: c.1375G>T, p.Glu459Ter (NM_001319138.2); short protein forms E459*.
Identifiers: ClinVar variation 2805605 (VCV002805605.3), dbSNP rs2062455934, ClinGen allele CA408738167.